The following is an entry in ClinVar:

NM_012082.4(ZFPM2):c.2393A>G (p.His798Arg)

Genes: ZFPM2 (zinc finger protein, FOG family member 2; plus strand), ZFPM2-AS1 (ZFPM2 antisense RNA 1; minus strand), LOC126860469 (BRD4-independent group 4 enhancer GRCh37_chr8:106814445-106815644; plus strand). Cytogenetic location: 8q23.1.
Variant type: single nucleotide variant.
Coding change: c.2393A>G on transcript NM_012082.4 (MANE Select); coding-DNA position 2393, A replaced by G.
Protein change: p.His798Arg; replaces histidine 798 with arginine.
Molecular consequence: missense variant.
Genome position (GRCh38, 1-based): chr8:105,802,475, A>G. VCF-style: chr8-105802475-A-G. GRCh37 (hg19) VCF-style: chr8-106814703-A-G.
Other names: c.2234A>G, p.His745Arg (NM_001362836.2); c.1997A>G, p.His666Arg (NM_001362837.2); short protein forms H745R, H798R, H666R.
Identifiers: ClinVar variation 1407804 (VCV001407804.8), dbSNP rs544936088, ClinGen allele CA4839902.

ClinVar aggregate classification (germline): Uncertain significance (1 of 4 stars; one submission).

Conditions:
46,XY sex reversal 9 (SRXY9). Also called: 46,XY SEX REVERSAL, ZFPM2-RELATED. Identifiers: Orphanet 251510, MedGen C4015129, MONDO:0014480, OMIM 616067.

Allele frequency attached by ClinVar (database versions not stated): TOPMed below 0.00001; gnomAD 0.00001; ExAC 0.00002; gnomAD exomes 0.00002; 1000 Genomes Project 30x 0.00016; 1000 Genomes Project 0.00020.
gnomAD v4.1: 8 of 1,613,336 alleles (0.0005%); highest among the groups gnomAD compares: South Asian, 0.0077%; no homozygotes.

Submission:

Labcorp Genetics (formerly Invitae), Labcorp
Classification: Uncertain significance for 46,XY sex reversal 9. Last evaluated: 2022-07-05. Review status: criteria provided, single submitter. Criteria: Invitae Variant Classification Sherloc (09022015). Collection method: clinical testing. Allele origin: germline.
Comment: This sequence change replaces histidine, which is basic and polar, with arginine, which is basic and polar, at codon 798 of the ZFPM2 protein (p.His798Arg). In summary, the available evidence is currently insufficient to determine the role of this variant in disease. Therefore, it has been classified as a Variant of Uncertain Significance. Algorithms developed to predict the effect of missense changes on protein structure and function are either unavailable or do not agree on the potential impact of this missense change (SIFT: "Deleterious"; PolyPhen-2: "Probably Damaging"; Align-GVGD: "Class C0"). ClinVar contains an entry for this variant (Variation ID: 1407804). This variant has not been reported in the literature in individuals affected with ZFPM2-related conditions. This variant is present in population databases (rs544936088, gnomAD 0.01%).